The following is an entry in ClinVar:

NM_001372.4(DNAH9):c.9335G>T (p.Gly3112Val)

Gene: DNAH9 (dynein axonemal heavy chain 9; plus strand). Cytogenetic location: 17p12.
Variant type: single nucleotide variant.
Coding change: c.9335G>T on transcript NM_001372.4 (MANE Select); coding-DNA position 9335, G replaced by T.
Protein change: p.Gly3112Val; replaces glycine 3112 with valine.
Molecular consequence: missense variant.
Genome position (GRCh38, 1-based): chr17:11,834,726, G>T. VCF-style: chr17-11834726-G-T. GRCh37 (hg19) VCF-style: chr17-11738043-G-T.
Other names: short protein forms G3112V.
Identifiers: ClinVar variation 4975694 (VCV004975694.1).

ClinVar aggregate classification (germline): Uncertain significance (1 of 4 stars; one submission).

gnomAD v4.1: 1 of 1,614,134 alleles (0.000062%); highest among the groups gnomAD compares: Non-Finnish European, 0.000085%; no homozygotes.

Submission:

GeneDx
Classification: Uncertain significance. Last evaluated: 2026-01-26. Review status: criteria provided, single submitter. Criteria: GeneDx Variant Classification Process June 2021. Collection method: clinical testing. Allele origin: germline.
Comment: Not observed at significant frequency in large population cohorts (gnomAD); In silico analysis supports that this missense variant has a deleterious effect on protein structure/function; Has not been previously published as pathogenic or benign to our knowledge